The following is an entry in ClinVar:

NM_000179.3(MSH6):c.203A>C (p.Lys68Thr)

Gene: MSH6 (mutS homolog 6; plus strand). Cytogenetic location: 2p16.3.
Variant type: single nucleotide variant.
Coding change: c.203A>C on transcript NM_000179.3 (MANE Select); coding-DNA position 203, A replaced by C.
Protein change: p.Lys68Thr; replaces lysine 68 with threonine.
Molecular consequence: missense variant. On other transcripts: 5 prime UTR variant (1), synonymous variant (1).
Genome position (GRCh38, 1-based): chr2:47,783,436, A>C. VCF-style: chr2-47783436-A-C. GRCh37 (hg19) VCF-style: chr2-48010575-A-C.
Other names: c.203A>C, p.Lys68Thr (NM_001281492.2, NM_001406795.1, NM_001406796.1 and 9 more transcripts); c.-534A>C (NM_001281493.2, NM_001406811.1); c.-126A>C (NM_001406799.1); c.148A>C, p.Arg50= (NM_001406804.1); c.-726A>C (NM_001406807.1); c.-381A>C (NM_001406812.1); c.-792A>C (NM_001406814.1); c.-337A>C (NM_001406816.1); short protein forms K68T.
Identifiers: ClinVar variation 1784864 (VCV001784864.3), dbSNP rs863224620, ClinGen allele CA346735044.

ClinVar aggregate classification (germline): Uncertain significance. Review status: criteria provided, multiple submitters, no conflicts (2 of 4 stars). 2 submissions from 2 submitters: Uncertain significance (2). Last evaluated 2023-10-06.

Conditions:
Hereditary cancer-predisposing syndrome. Also called: Neoplastic Syndromes, Hereditary; Tumor predisposition; Hereditary Cancer Syndrome; Hereditary neoplastic syndrome. Identifiers: Orphanet 140162, MedGen C0027672, MeSH D009386, MONDO:0015356.
Lynch syndrome. Identifiers: Orphanet 144, MedGen C4552100, MONDO:0005835. Disease mechanism: loss of function.

Submissions (2):

All of Us Research Program, National Institutes of Health
Classification: Uncertain significance for Lynch syndrome. Last evaluated: 2023-10-06. Review status: criteria provided, single submitter. Criteria: ACMG Guidelines, 2015. Collection method: clinical testing. Allele origin: germline. Inheritance: Autosomal dominant inheritance. Observed: 1 variant allele, 1 heterozygote.
Comment: This missense variant replaces lysine with threonine at codon 68 of the MSH6 protein. Computational prediction suggests that this variant may not impact protein structure and function (internally defined REVEL score threshold <= 0.5, PMID: 27666373). To our knowledge, functional studies have not been reported for this variant. This variant has not been reported in individuals affected with MSH6-related disorders in the literature. This variant has not been identified in the general population by the Genome Aggregation Database (gnomAD). The available evidence is insufficient to determine the role of this variant in disease conclusively. Therefore, this variant is classified as a Variant of Uncertain Significance.

This study involves interpretation of variants in research participants for the purpose of population health screening. Participant phenotype was not available at the time of variant classification. Additional details can be found in publication PMID: 35346344, PMCID: PMC8962531

Ambry Genetics
Classification: Uncertain significance for Hereditary cancer-predisposing syndrome. Last evaluated: 2022-02-24. Review status: criteria provided, single submitter. Criteria: Ambry Variant Classification Scheme 2023. Collection method: clinical testing. Allele origin: germline.
Comment: The p.K68T variant (also known as c.203A>C), located in coding exon 1 of the MSH6 gene, results from an A to C substitution at nucleotide position 203. The lysine at codon 68 is replaced by threonine, an amino acid with similar properties. This amino acid position is conserved. In addition, this alteration is predicted to be tolerated by in silico analysis. Since supporting evidence is limited at this time, the clinical significance of this alteration remains unclear.